The following is an entry in ClinVar:

NM_001008537.3(NEXMIF):c.3586A>G (p.Thr1196Ala)

Gene: NEXMIF (neurite extension and migration factor; minus strand). Cytogenetic location: Xq13.3.
Variant type: single nucleotide variant.
Coding change: c.3586A>G on transcript NM_001008537.3 (MANE Select); coding-DNA position 3586, A replaced by G.
Protein change: p.Thr1196Ala; replaces threonine 1196 with alanine.
Molecular consequence: missense variant.
Genome position (GRCh38, 1-based): chrX:74,740,971, T>C on the plus strand (A>G on the coding strand, the complement: NEXMIF is on the minus strand). VCF-style: chrX-74740971-T-C. GRCh37 (hg19) VCF-style: chrX-73960806-T-C.
Other names: short protein forms T1196A.
Identifiers: ClinVar variation 2106641 (VCV002106641.4), dbSNP rs2519912014, ClinGen allele CA413665332.

ClinVar aggregate classification (germline): Uncertain significance (1 of 4 stars; one submission).

Submission:

Labcorp Genetics (formerly Invitae), Labcorp
Classification: Uncertain significance. Last evaluated: 2022-03-04. Review status: criteria provided, single submitter. Criteria: Invitae Variant Classification Sherloc (09022015). Collection method: clinical testing. Allele origin: germline.
Comment: Algorithms developed to predict the effect of missense changes on protein structure and function output the following: SIFT: "Deleterious"; PolyPhen-2: "Benign"; Align-GVGD: "Class C0". The alanine amino acid residue is found in multiple mammalian species, which suggests that this missense change does not adversely affect protein function. In summary, the available evidence is currently insufficient to determine the role of this variant in disease. Therefore, it has been classified as a Variant of Uncertain Significance. This variant has not been reported in the literature in individuals affected with NEXMIF-related conditions. This variant is not present in population databases (gnomAD no frequency). This sequence change replaces threonine, which is neutral and polar, with alanine, which is neutral and non-polar, at codon 1196 of the NEXMIF protein (p.Thr1196Ala).